The following is an entry in ClinVar:

NM_001177316.2(SLC34A3):c.1720G>A (p.Val574Ile)

Gene: SLC34A3 (solute carrier family 34 member 3; plus strand). Cytogenetic location: 9q34.3.
Variant type: single nucleotide variant.
Coding change: c.1720G>A on transcript NM_001177316.2 (MANE Select); coding-DNA position 1720, G replaced by A.
Protein change: p.Val574Ile; replaces valine 574 with isoleucine.
Molecular consequence: missense variant.
Genome position (GRCh38, 1-based): chr9:137,236,336, G>A. VCF-style: chr9-137236336-G-A. GRCh37 (hg19) VCF-style: chr9-140130788-G-A.
Other names: c.1720G>A, p.Val574Ile (NM_001177317.2, NM_080877.3); c.1720G>A (NM_080877.2); short protein forms V574I.
Identifiers: ClinVar variation 2139733 (VCV002139733.3), dbSNP rs527814598, ClinGen allele CA201700249.
Genomic context (GRCh38, chr9:137,236,336, plus strand): 5'-GTCTGGCTCCATTCTCTGGAGCCCTGGGACCGCCTGGTGACCCGCTGCTGCCCCTGCAAC[G>A]TCTGCAGCCCCCCGAAGGCCACCACCAAAGAGGCCTACTGCTACGAGAACCCTGAGATCT-3'
Protein context (NP_001170787.2, residues 564-584): RLVTRCCPCN[Val574Ile]CSPPKATTKE

ClinVar aggregate classification (germline): Uncertain significance. Review status: criteria provided, multiple submitters, no conflicts (2 of 4 stars). 3 submissions from 3 submitters: Uncertain significance (3). Last evaluated 2025-10-07.

Conditions:
Inborn genetic diseases. Identifiers: MedGen C0950123, MeSH D030342.
Autosomal recessive hypophosphatemic bone disease (HHRH). Also called: HYPERCALCIURIC RICKETS; Hypophosphatemic rickets with hypercalciuria. Identifiers: Orphanet 157215, MedGen C1853271, MONDO:0009431, OMIM 241530.

Allele frequency attached by ClinVar (database versions not stated): gnomAD exomes 0.00003; TOPMed 0.00029; gnomAD 0.00032; 1000 Genomes Project 0.00040; 1000 Genomes Project 30x 0.00047.

Submissions (3):

Ambry Genetics
Classification: Uncertain significance for Inborn genetic diseases. Last evaluated: 2025-10-07. Review status: criteria provided, single submitter. Criteria: Ambry Variant Classification Scheme 2023. Collection method: clinical testing. Allele origin: germline.

Fulgent Genetics
Classification: Uncertain significance for Autosomal recessive hypophosphatemic bone disease. Last evaluated: 2024-04-22. Review status: criteria provided, single submitter. Criteria: ACMG Guidelines, 2015. Collection method: clinical testing. Allele origin: germline.

Labcorp Genetics (formerly Invitae), Labcorp
Classification: Uncertain significance. Last evaluated: 2022-06-07. Review status: criteria provided, single submitter. Criteria: Invitae Variant Classification Sherloc (09022015). Collection method: clinical testing. Allele origin: germline.
Comment: This sequence change replaces valine, which is neutral and non-polar, with isoleucine, which is neutral and non-polar, at codon 574 of the SLC34A3 protein (p.Val574Ile). This variant is present in population databases (rs527814598, gnomAD 0.06%). This variant has not been reported in the literature in individuals affected with SLC34A3-related conditions. Algorithms developed to predict the effect of missense changes on protein structure and function output the following: SIFT: "Tolerated"; PolyPhen-2: "Benign"; Align-GVGD: "Class C0". The isoleucine amino acid residue is found in multiple mammalian species, which suggests that this missense change does not adversely affect protein function. In summary, the available evidence is currently insufficient to determine the role of this variant in disease. Therefore, it has been classified as a Variant of Uncertain Significance.